The following is an entry in ClinVar:

NM_021831.6(AGBL5):c.2477C>T (p.Ser826Phe)

Gene: AGBL5 (AGBL carboxypeptidase 5; plus strand). Cytogenetic location: 2p23.3.
Variant type: single nucleotide variant.
Coding change: c.2477C>T on transcript NM_021831.6 (MANE Select); coding-DNA position 2477, C replaced by T.
Protein change: p.Ser826Phe; replaces serine 826 with phenylalanine.
Molecular consequence: missense variant. On other transcripts: non-coding transcript variant (2).
Genome position (GRCh38, 1-based): chr2:27,069,694, C>T. VCF-style: chr2-27069694-C-T. GRCh37 (hg19) VCF-style: chr2-27292562-C-T.
Other names: short protein forms S826F.
Identifiers: ClinVar variation 1503622 (VCV001503622.8), dbSNP rs2148309291, ClinGen allele CA346142350.

ClinVar aggregate classification (germline): Uncertain significance (1 of 4 stars; one submission).

Submission:

Labcorp Genetics (formerly Invitae), Labcorp
Classification: Uncertain significance. Last evaluated: 2025-09-02. Review status: criteria provided, single submitter. Criteria: Invitae Variant Classification Sherloc (09022015). Collection method: clinical testing. Allele origin: germline.
Comment: This sequence change replaces serine, which is neutral and polar, with phenylalanine, which is neutral and non-polar, at codon 826 of the AGBL5 protein (p.Ser826Phe). This variant is not present in population databases (gnomAD no frequency). This variant has not been reported in the literature in individuals affected with AGBL5-related conditions. ClinVar contains an entry for this variant (Variation ID: 1503622). An algorithm developed to predict the effect of missense changes on protein structure and function (PolyPhen-2) suggests that this variant is likely to be tolerated. In summary, the available evidence is currently insufficient to determine the role of this variant in disease. Therefore, it has been classified as a Variant of Uncertain Significance.